The following is an entry in ClinVar:

ClinVar aggregate classification (germline): Likely benign. Review status: criteria provided, multiple submitters, no conflicts (2 of 4 stars). 3 submissions from 3 submitters: Likely benign (3). Last evaluated 2024-11-01.

Allele frequency attached by ClinVar (database versions not stated): 1000 Genomes Project 0.00020; TOPMed 0.00020; gnomAD 0.00025 and 0.00027; gnomAD exomes 0.00029 and 0.00031; 1000 Genomes Project 30x 0.00031; ExAC 0.00034; ESP Exome Variant Server 0.00038.
gnomAD v4.1: 491 of 1,609,968 alleles (0.03%); highest among the groups gnomAD compares: Non-Finnish European, 0.037%; 1 homozygote.

Submissions (3):

Blueprint Genetics
Classification: Likely benign. Last evaluated: 2024-11-01. Review status: criteria provided, single submitter. Criteria: ACMG Guidelines, 2015. Collection method: clinical testing. Allele origin: germline.

CeGaT Center for Human Genetics Tuebingen
Classification: Likely benign. Last evaluated: 2023-02-01. Review status: criteria provided, single submitter. Criteria: CeGaT Center For Human Genetics Tuebingen Variant Classification Criteria Version 2. Collection method: clinical testing. Allele origin: germline. Affected: yes. Observed: 1 variant allele.
Comment: DHX30: BP4, BP7

Labcorp Genetics (formerly Invitae), Labcorp
Classification: Likely benign. Last evaluated: 2018-10-29. Review status: criteria provided, single submitter. Criteria: Invitae Variant Classification Sherloc (09022015). Collection method: clinical testing. Allele origin: germline.

NM_138615.3(DHX30):c.1053C>T (p.Pro351=)

Gene: DHX30 (DExH-box helicase 30; plus strand). Cytogenetic location: 3p21.31.
Variant type: single nucleotide variant.
Coding change: c.1053C>T on transcript NM_138615.3 (MANE Select); coding-DNA position 1053, C replaced by T.
Protein change: p.Pro351=; no amino-acid change (proline 351 retained).
Molecular consequence: synonymous variant.
Genome position (GRCh38, 1-based): chr3:47,845,813, C>T. VCF-style: chr3-47845813-C-T. GRCh37 (hg19) VCF-style: chr3-47887303-C-T.
Other names: c.969C>T, p.Pro323= (NM_001330990.2); c.936C>T, p.Pro312= (NM_014966.4).
Identifiers: ClinVar variation 713442 (VCV000713442.32), dbSNP rs144616702, ClinGen allele CA2369844.